The following is an entry in ClinVar:

ClinVar aggregate classification (germline): Likely pathogenic (1 of 4 stars; one submission).

gnomAD v4.1: 3 of 1,612,410 alleles (0.00019%); highest among the groups gnomAD compares: Non-Finnish European, 0.00025%; no homozygotes.

Submission:

Labcorp Genetics (formerly Invitae), Labcorp
Classification: Likely pathogenic. Last evaluated: 2024-03-28. Review status: criteria provided, single submitter. Criteria: Invitae Variant Classification Sherloc (09022015). Collection method: clinical testing. Allele origin: germline.
Comment: This sequence change affects an acceptor splice site in intron 5 of the ANGPTL3 gene. It is expected to disrupt RNA splicing. Variants that disrupt the donor or acceptor splice site typically lead to a loss of protein function (PMID: 16199547), and loss-of-function variants in ANGPTL3 are known to be pathogenic (PMID: 22247256, 24058201). This variant is present in population databases (rs780152435, gnomAD 0.0009%). This variant has not been reported in the literature in individuals affected with ANGPTL3-related conditions. Algorithms developed to predict the effect of sequence changes on RNA splicing suggest that this variant may disrupt the consensus splice site. In summary, the currently available evidence indicates that the variant is pathogenic, but additional data are needed to prove that conclusively. Therefore, this variant has been classified as Likely Pathogenic.

Literature cited by the submitters: PubMed 16199547; PubMed 22247256; PubMed 24058201.

NM_014495.4(ANGPTL3):c.932-2A>G

Genes: ANGPTL3 (angiopoietin like 3; plus strand), DOCK7 (dedicator of cytokinesis 7; minus strand). Cytogenetic location: 1p31.3.
Variant type: single nucleotide variant.
Coding change: c.932-2A>G on transcript NM_014495.4 (MANE Select); the canonical splice acceptor site of the intron before coding-DNA position 932, A replaced by G.
Molecular consequence: splice acceptor variant. On other transcripts: intron variant (7).
Genome position (GRCh38, 1-based): chr1:62,603,967, A>G. VCF-style: chr1-62603967-A-G. GRCh37 (hg19) VCF-style: chr1-63069638-A-G.
Other names: c.1682+14739T>C (NM_001272001.2, NM_001272000.2, NM_033407.4 and 4 more transcripts).
Identifiers: ClinVar variation 3712309 (VCV003712309.2).